The following is an entry in ClinVar:

NM_014639.4(SKIC3):c.408_418del (p.Arg137fs)

Gene: SKIC3 (SKI3 subunit of superkiller complex; minus strand). Cytogenetic location: 5q15.
Variant type: Deletion.
Coding change: c.408_418del on transcript NM_014639.4 (MANE Select); coding-DNA positions 408 to 418, 11 bases deleted (TCGAACATGGC).
Protein change: p.Arg137fs; shifts the reading frame from arginine 137.
Molecular consequence: frameshift variant.
Genome position (GRCh38, 1-based): chr5:95,540,815-95,540,825, GCCATGTTCGA deleted on the plus strand (TCGAACATGGC on the coding strand, the reverse complement: SKIC3 is on the minus strand); deleting any 11 consecutive bases within chr5:95,540,815-95,540,829 gives the same sequence; the c. name uses the placement nearest the transcript's 3' end. VCF-style (leftmost placement, unchanged base first): chr5-95540814-TGCCATGTTCGA-T. GRCh37 (hg19) VCF-style: chr5-94876518-TGCCATGTTCGA-T.
Other names: short protein forms R137fs.
Identifiers: ClinVar variation 2074735 (VCV002074735.4), dbSNP rs1436956225, ClinGen allele CA815785819.

ClinVar aggregate classification (germline): Pathogenic (1 of 4 stars; one submission).

Submission:

Labcorp Genetics (formerly Invitae), Labcorp
Classification: Pathogenic. Last evaluated: 2023-11-28. Review status: criteria provided, single submitter. Criteria: Invitae Variant Classification Sherloc (09022015). Collection method: clinical testing. Allele origin: germline.
Comment: This sequence change creates a premature translational stop signal (p.Arg137Glnfs*14) in the TTC37 gene. It is expected to result in an absent or disrupted protein product. Loss-of-function variants in TTC37 are known to be pathogenic (PMID: 20176027, 21120949). This variant is not present in population databases (gnomAD no frequency). This variant has not been reported in the literature in individuals affected with TTC37-related conditions. ClinVar contains an entry for this variant (Variation ID: 2074735). For these reasons, this variant has been classified as Pathogenic.

Literature cited by the submitters: PubMed 20176027; PubMed 21120949.